The following is an entry in ClinVar:

ClinVar aggregate classification (germline): Uncertain significance (1 of 4 stars; one submission).

Conditions:
Congenital primary aphakia. Also called: Anterior segment dysgenesis 2, multiple subtypes; ANTERIOR SEGMENT DYSGENESIS 2. Identifiers: Orphanet 83461, MedGen C1853230, MONDO:0012456, OMIM 610256.
Anterior segment dysgenesis. Also called: Ocular anterior segment dysgenesis. Identifiers: Orphanet 88632, MedGen C1862839, MONDO:0019503, HP:0007700.

Submission:

Labcorp Genetics (formerly Invitae), Labcorp
Classification: Uncertain significance for Anterior segment dysgenesis; Congenital primary aphakia. Last evaluated: 2024-03-13. Review status: criteria provided, single submitter. Criteria: Invitae Variant Classification Sherloc (09022015). Collection method: clinical testing. Allele origin: germline.
Comment: This sequence change affects the initiator methionine of the FOXE3 mRNA. The next in-frame methionine is located at codon 7. This variant is not present in population databases (gnomAD no frequency). Disruption of the initiator codon has been observed in individuals with thoracic aortic aneurysm and dissection (Invitae). Experimental studies and prediction algorithms are not available or were not evaluated, and the functional significance of this variant is currently unknown. In summary, the available evidence is currently insufficient to determine the role of this variant in disease. Therefore, it has been classified as a Variant of Uncertain Significance.

NM_012186.3(FOXE3):c.1A>G (p.Met1Val)

Genes: FOXE3 (forkhead box E3; plus strand), LINC01389 (long independently transcribed non-coding RNA 1389; minus strand). Cytogenetic location: 1p33.
Variant type: single nucleotide variant.
Coding change: c.1A>G on transcript NM_012186.3 (MANE Select); coding-DNA position 1, A replaced by G.
Protein change: p.Met1Val; changes the start codon (methionine 1).
Molecular consequence: missense variant, initiator codon variant.
Genome position (GRCh38, 1-based): chr1:47,416,316, A>G. VCF-style: chr1-47416316-A-G. GRCh37 (hg19) VCF-style: chr1-47881988-A-G.
Other names: short protein forms M1V.
Identifiers: ClinVar variation 3755268 (VCV003755268.2).